The following is an entry in ClinVar:

ClinVar aggregate classification (germline): Uncertain significance (1 of 4 stars; one submission).

gnomAD v4.1: 7 of 1,613,900 alleles (0.00043%); highest among the groups gnomAD compares: Non-Finnish European, 0.00059%; no homozygotes.

Submission:

GeneDx
Classification: Uncertain significance. Last evaluated: 2025-02-24. Review status: criteria provided, single submitter. Criteria: GeneDx Variant Classification Process June 2021. Collection method: clinical testing. Allele origin: germline. Affected: yes.
Comment: Not observed at significant frequency in large population cohorts (gnomAD); In silico analysis indicates that this missense variant does not alter protein structure/function; Has not been previously published as pathogenic or benign to our knowledge

NM_000601.6(HGF):c.893T>G (p.Val298Gly)

Gene: HGF (hepatocyte growth factor; minus strand). Cytogenetic location: 7q21.11.
Variant type: single nucleotide variant.
Coding change: c.893T>G on transcript NM_000601.6 (MANE Select); coding-DNA position 893, T replaced by G.
Protein change: p.Val298Gly; replaces valine 298 with glycine.
Molecular consequence: missense variant.
Genome position (GRCh38, 1-based): chr7:81,729,752, A>C on the plus strand (T>G on the coding strand, the complement: HGF is on the minus strand). VCF-style: chr7-81729752-A-C. GRCh37 (hg19) VCF-style: chr7-81359068-A-C.
Other names: c.878T>G, p.Val293Gly (NM_001010932.3); short protein forms V293G, V298G.
Identifiers: ClinVar variation 4076756 (VCV004076756.1).